The following is an entry in ClinVar:

ClinVar aggregate classification (germline): Pathogenic (1 of 4 stars; one submission).

Conditions:
Townes-Brocks syndrome 1 (TBS1). Also called: DEAFNESS, SENSORINEURAL, WITH IMPERFORATE ANUS AND THUMB ANOMALIES; REAR SYNDROME; RENAL-EAR-ANAL-RADIAL SYNDROME; SALL1-Related Townes-Brocks Syndrome. Identifiers: Orphanet 857, MedGen C4551481, MONDO:0054581, OMIM 107480.

Submission:

Illumina Laboratory Services, Illumina
Classification: Pathogenic for Townes-Brocks syndrome 1. Last evaluated: 2019-11-01. Review status: criteria provided, single submitter. Criteria: ICSLVariantClassificationCriteria RUGD 01 April 2020. Collection method: clinical testing. Allele origin: unknown.
Comment: The SALL1 c.953delC (p.Pro318GlnfsTer24) variant is a frameshift variant that is predicted to result in a premature truncation of the protein. A literature search was performed for the gene, cDNA change, and amino acid change. No publications were found based on this search. This variant is not found in the Genome Aggregation Database in a region of good sequencing coverage, so the variant is presumed to be rare. Based on the predicted truncating nature of the variant, its rarity, and application of the ACMG criteria, the p.Pro318GlnfsTer24 variant is classified as pathogenic for Townes-Brocks syndrome.

NM_002968.3(SALL1):c.953del (p.Pro318fs)

Gene: SALL1 (spalt like transcription factor 1; minus strand). Cytogenetic location: 16q12.1.
Variant type: Deletion.
Coding change: c.953del on transcript NM_002968.3 (MANE Select); coding-DNA position 953, one base deleted (C; older notation c.953delC).
Protein change: p.Pro318fs; shifts the reading frame from proline 318.
Molecular consequence: frameshift variant.
Genome position (GRCh38, 1-based): chr16:51,141,269, G deleted on the plus strand (C on the coding strand, the reverse complement: SALL1 is on the minus strand); the first of 5 consecutive G bases (chr16:51,141,269-51,141,273); deleting any one gives the same sequence. VCF-style (leftmost placement, unchanged base first): chr16-51141268-TG-T. GRCh37 (hg19) VCF-style: chr16-51175179-TG-T.
Other names: c.662del, p.Pro221fs (NM_001127892.2); short protein forms P221fs, P318fs.
Identifiers: ClinVar variation 3062088 (VCV003062088.1), dbSNP rs2506494395, ClinGen allele CA2740093329.